The following is an entry in ClinVar:

NM_001164508.2(NEB):c.4953G>T (p.Gln1651His)

Gene: NEB (nebulin; minus strand). Cytogenetic location: 2q23.3.
Variant type: single nucleotide variant.
Coding change: c.4953G>T on transcript NM_001164508.2 (MANE Select); coding-DNA position 4953, G replaced by T.
Protein change: p.Gln1651His; replaces glutamine 1651 with histidine.
Molecular consequence: missense variant.
Genome position (GRCh38, 1-based): chr2:151,666,168, C>A on the plus strand (G>T on the coding strand, the complement: NEB is on the minus strand). VCF-style: chr2-151666168-C-A. GRCh37 (hg19) VCF-style: chr2-152522682-C-A.
Other names: c.4953G>T, p.Gln1651His (NM_001164507.2, NM_001271208.2, NM_004543.5); short protein forms Q1651H.
Identifiers: ClinVar variation 4795298 (VCV004795298.1).

ClinVar aggregate classification (germline): Uncertain significance (1 of 4 stars; one submission).

Submission:

GeneDx
Classification: Uncertain significance. Last evaluated: 2025-08-16. Review status: criteria provided, single submitter. Criteria: GeneDx Variant Classification Process June 2021. Collection method: clinical testing. Allele origin: germline. Affected: yes.
Comment: Not observed at significant frequency in large population cohorts (gnomAD); In silico analysis suggests that this missense variant does not alter protein structure/function; Has not been previously published as pathogenic or benign to our knowledge